The following is an entry in ClinVar:

NM_005902.4(SMAD3):c.122A>T (p.Lys41Ile)

Gene: SMAD3 (SMAD family member 3; plus strand). Cytogenetic location: 15q22.33.
Variant type: single nucleotide variant.
Coding change: c.122A>T on transcript NM_005902.4 (MANE Select); coding-DNA position 122, A replaced by T.
Protein change: p.Lys41Ile; replaces lysine 41 with isoleucine.
Molecular consequence: missense variant.
Genome position (GRCh38, 1-based): chr15:67,066,276, A>T. VCF-style: chr15-67066276-A-T. GRCh37 (hg19) VCF-style: chr15-67358614-A-T.
Other names: c.122A>T, p.Lys41Ile (NM_001407011.1, NM_001407012.1, NM_001407013.1); short protein forms K41I.
Identifiers: ClinVar variation 4756183 (VCV004756183.1).
Genomic context (GRCh38, chr15:67,066,276, plus strand): 5'-GCGAGCAGAACGGGCAGGAGGAGAAATGGTGCGAGAAGGCGGTCAAGAGCCTGGTCAAGA[A>T]ACTCAAGAAGACGGGGCAGCTGGACGAGCTGGAGAAGGCCATCACCACGCAGAACGTCAA-3'
Protein context (NP_005893.1, residues 31-51): CEKAVKSLVK[Lys41Ile]LKKTGQLDEL

ClinVar aggregate classification (germline): Uncertain significance (1 of 4 stars; one submission).

Conditions:
Familial thoracic aortic aneurysm and aortic dissection (TAAD). Also called: Thoracic aortic aneurysms and dissections. Identifiers: Orphanet 91387, MedGen C4707243, MONDO:0019625.

Submission:

Color Diagnostics, LLC DBA Color Health
Classification: Uncertain significance for Familial thoracic aortic aneurysm and aortic dissection. Last evaluated: 2025-08-30. Review status: criteria provided, single submitter. Criteria: ACMG Guidelines, 2015. Collection method: clinical testing. Allele origin: germline.
Comment: This missense variant replaces lysine with isoleucine at codon 41 of the SMAD3 protein. Computational prediction suggests that this variant may have deleterious impact on protein structure and function. To our knowledge, functional studies have not been reported for this variant. This variant has not been reported in individuals affected with SMAD3-related disorders in the literature. This variant has not been identified in the general population by the Genome Aggregation Database (gnomAD). The available evidence is insufficient to determine the role of this variant in disease conclusively. Therefore, this variant is classified as a Variant of Uncertain Significance.